The following is an entry in ClinVar:

ClinVar aggregate classification (germline): Uncertain significance. Review status: criteria provided, single submitter (1 of 4 stars). 2 submissions from 2 submitters: Uncertain significance (1). 1 of the submissions does not count toward it. Last evaluated 2023-08-02.

Conditions:
Miller syndrome (POADS). Also called: Genee-Wiedemann acrofacial dysostosis; GENEE-WIEDEMANN SYNDROME. Identifiers: Orphanet 246, MedGen C0265257, MONDO:0009903, OMIM 263750.

Allele frequency attached by ClinVar (database versions not stated): TOPMed below 0.00001; gnomAD 0.00001 and 0.00002; 1000 Genomes Project 30x 0.00016.
gnomAD v4.1: 18 of 1,554,930 alleles (0.0012%); highest among the groups gnomAD compares: South Asian, 0.0036%; no homozygotes.

Submissions (2):

3billion
Classification: Uncertain significance for Miller syndrome. Last evaluated: 2023-08-02. Review status: criteria provided, single submitter. Criteria: ACMG Guidelines, 2015. Collection method: clinical testing. Allele origin: germline. Affected: yes.
Comment: The variant is not observed in the gnomAD v2.1.1 dataset. Predicted Consequence/Location: Missense variant Same nucleotide change resulting in same amino acid change has been previously reported to be associated with DHODH related disorder (ClinVar ID: VCV000016806 /PMID: 19915526). However, the evidence of pathogenicity is insufficient at this time. Therefore, this variant is classified as VUS according to the recommendation of ACMG/AMP guideline.

OMIM
Classification: Pathogenic for MILLER SYNDROME. Last evaluated: 2010-01-01. Review status: no assertion criteria provided. Collection method: literature only. Allele origin: germline. Not counted in ClinVar's aggregate classification.

Literature cited by the submitters: PubMed 19915526 (cited by 3billion and OMIM).

NM_001361.5(DHODH):c.730C>T (p.Arg244Trp)

Gene: DHODH (dihydroorotate dehydrogenase (quinone); plus strand). Cytogenetic location: 16q22.2.
Variant type: single nucleotide variant.
Coding change: c.730C>T on transcript NM_001361.5 (MANE Select); coding-DNA position 730, C replaced by T.
Protein change: p.Arg244Trp; replaces arginine 244 with tryptophan.
Molecular consequence: missense variant.
Genome position (GRCh38, 1-based): chr16:72,022,386, C>T. VCF-style: chr16-72022386-C-T. GRCh37 (hg19) VCF-style: chr16-72056285-C-T.
Other names: short protein forms R244W.
Identifiers: ClinVar variation 16806 (VCV000016806.2), dbSNP rs267606768, ClinGen allele CA126902.